The following is an entry in ClinVar:

ClinVar aggregate classification (germline): Uncertain significance (1 of 4 stars; one submission).

Allele frequency attached by ClinVar (database versions not stated): gnomAD exomes below 0.00001; gnomAD 0.00001; ExAC 0.00002.
gnomAD v4.1: 6 of 1,603,938 alleles (0.00037%); highest among the groups gnomAD compares: Non-Finnish European, 0.00017%; no homozygotes.

Submission:

Labcorp Genetics (formerly Invitae), Labcorp
Classification: Uncertain significance. Last evaluated: 2022-08-02. Review status: criteria provided, single submitter. Criteria: Invitae Variant Classification Sherloc (09022015). Collection method: clinical testing. Allele origin: germline.
Comment: Algorithms developed to predict the effect of missense changes on protein structure and function (SIFT, PolyPhen-2, Align-GVGD) all suggest that this variant is likely to be disruptive. This variant has not been reported in the literature in individuals affected with RIMS1-related conditions. This variant is not present in population databases (gnomAD no frequency). This sequence change replaces serine, which is neutral and polar, with cysteine, which is neutral and slightly polar, at codon 1310 of the RIMS1 protein (p.Ser1310Cys). In summary, the available evidence is currently insufficient to determine the role of this variant in disease. Therefore, it has been classified as a Variant of Uncertain Significance.

NM_014989.7(RIMS1):c.3929C>G (p.Ser1310Cys)

Gene: RIMS1 (regulating synaptic membrane exocytosis 1; plus strand). Cytogenetic location: 6q13.
Variant type: single nucleotide variant.
Coding change: c.3929C>G on transcript NM_014989.7 (MANE Select); coding-DNA position 3929, C replaced by G.
Protein change: p.Ser1310Cys; replaces serine 1310 with cysteine.
Molecular consequence: missense variant. On other transcripts: intron variant (24).
Genome position (GRCh38, 1-based): chr6:72,307,336, C>G. VCF-style: chr6-72307336-C-G. GRCh37 (hg19) VCF-style: chr6-73017039-C-G.
Other names: c.1889C>G, p.Ser630Cys (NM_001168407.2); c.1850C>G, p.Ser617Cys (NM_001350414.2); c.1973C>G, p.Ser658Cys (NM_001350415.2); c.1922C>G, p.Ser641Cys (NM_001350416.2); c.1895C>G, p.Ser632Cys (NM_001350418.2); c.2003C>G, p.Ser668Cys (NM_001350420.2); c.1748C>G, p.Ser583Cys (NM_001350421.2); c.1664C>G, p.Ser555Cys (NM_001350423.2, NM_001350444.2); and 51 more; short protein forms S1310C, S474C, S499C, S525C, S526C, S536C, S541C, S549C.
Identifiers: ClinVar variation 1713888 (VCV001713888.5), dbSNP rs756053102, ClinGen allele CA3886396.